The following is an entry in ClinVar:

ClinVar aggregate classification (germline): Uncertain significance (1 of 4 stars; one submission).

gnomAD v4.1: 9 of 1,612,772 alleles (0.00056%); highest among the groups gnomAD compares: African/African-American, 0.012%; no homozygotes.

Submission:

Labcorp Genetics (formerly Invitae), Labcorp
Classification: Uncertain significance. Last evaluated: 2025-11-14. Review status: criteria provided, single submitter. Criteria: Invitae Variant Classification Sherloc (09022015). Collection method: clinical testing. Allele origin: germline.
Comment: This sequence change falls in intron 7 of the ADCY5 gene. It does not directly change the encoded amino acid sequence of the ADCY5 protein. It affects a nucleotide within the consensus splice site. This variant is present in population databases (no rsID available, gnomAD 0.02%). This variant has not been reported in the literature in individuals affected with ADCY5-related conditions. Variants that disrupt the consensus splice site are a relatively common cause of aberrant splicing (PMID: 17576681, 9536098). Algorithms developed to predict the effect of sequence changes on RNA splicing suggest that this variant may disrupt the consensus splice site. In summary, the available evidence is currently insufficient to determine the role of this variant in disease. Therefore, it has been classified as a Variant of Uncertain Significance.

Literature cited by the submitters: PubMed 17576681; PubMed 9536098.

NM_183357.3(ADCY5):c.1947+6T>A

Gene: ADCY5 (adenylate cyclase 5; minus strand). Cytogenetic location: 3q21.1.
Variant type: single nucleotide variant.
Coding change: c.1947+6T>A on transcript NM_183357.3 (MANE Select); 6 bases into the intron after coding-DNA position 1947, T replaced by A.
Molecular consequence: intron variant.
Genome position (GRCh38, 1-based): chr3:123,327,612, A>T on the plus strand (T>A on the coding strand, the complement: ADCY5 is on the minus strand). VCF-style: chr3-123327612-A-T. GRCh37 (hg19) VCF-style: chr3-123046459-A-T.
Other names: c.1947+6T>A (NM_001378259.1); c.897+6T>A (NM_001199642.1).
Identifiers: ClinVar variation 4701050 (VCV004701050.1).